The following is an entry in ClinVar:

ClinVar aggregate classification (germline): Uncertain significance. Review status: criteria provided, multiple submitters, no conflicts (2 of 4 stars). 3 submissions from 3 submitters: Uncertain significance (3). Last evaluated 2025-08-06.

Conditions:
Leber congenital amaurosis 8 (LCA8). Identifiers: Orphanet 65, MedGen C3151202, MONDO:0013453, OMIM 613835.
Retinitis pigmentosa 12 (RP12). Also called: RP WITH OR WITHOUT PRESERVED PARAARTERIOLE RETINAL PIGMENT EPITHELIUM; RETINITIS PIGMENTOSA WITH OR WITHOUT PARAARTERIOLAR PRESERVATION OF RETINAL PIGMENT EPITHELIUM; RP WITH OR WITHOUT PPRPE. Identifiers: Orphanet 791, MedGen C1838647, MONDO:0010818, OMIM 600105.

Allele frequency attached by ClinVar (database versions not stated): gnomAD exomes below 0.00001; ExAC 0.00001.

Submissions (3):

3billion
Classification: Uncertain significance for Retinitis pigmentosa 12. Last evaluated: 2025-08-06. Review status: criteria provided, single submitter. Criteria: ACMG Guidelines, 2015. Collection method: clinical testing. Allele origin: germline. Affected: yes.
Comment: The variant is observed at an extremely low frequency in the gnomAD v4.1.0 dataset (total allele frequency: <0.001%). Predicted Consequence/Location: Missense variant In silico tool predictions suggest damaging effect of the variant on gene or gene product [REVEL: 0.66 (>=0.6, sensitivity 0.68 and specificity 0.92); 3Cnet: 0.97 (> 0.75, sensitivity 0.96 and precision 0.92)]. A different missense change at the same codon (p.Gly827Glu) has been reported to be associated with CRB1-related disorder (PMID: 25356976). However the evidence of pathogenicity is insufficient at this time. Therefore, this variant is classified as VUS according to the recommendation of ACMG/AMP guideline.

Labcorp Genetics (formerly Invitae), Labcorp
Classification: Uncertain significance for Leber congenital amaurosis 8; Retinitis pigmentosa 12. Last evaluated: 2024-11-21. Review status: criteria provided, single submitter. Criteria: Invitae Variant Classification Sherloc (09022015). Collection method: clinical testing. Allele origin: germline.
Comment: This sequence change replaces glycine, which is neutral and non-polar, with arginine, which is basic and polar, at codon 827 of the CRB1 protein (p.Gly827Arg). This variant is present in population databases (rs62636269, gnomAD 0.003%). This missense change has been observed in individual(s) with retinitis pigmentosa (internal data). ClinVar contains an entry for this variant (Variation ID: 1431230). Invitae Evidence Modeling of protein sequence and biophysical properties (such as structural, functional, and spatial information, amino acid conservation, physicochemical variation, residue mobility, and thermodynamic stability) indicates that this missense variant is expected to disrupt CRB1 protein function with a positive predictive value of 95%. In summary, the available evidence is currently insufficient to determine the role of this variant in disease. Therefore, it has been classified as a Variant of Uncertain Significance.

Blueprint Genetics
Classification: Uncertain significance. Last evaluated: 2020-05-18. Review status: criteria provided, single submitter. Criteria: ACMG Guidelines, 2015. Collection method: clinical testing. Allele origin: germline.

Literature cited by the submitters: PubMed 25356976 (cited by 3billion).

NM_201253.3(CRB1):c.2479G>A (p.Gly827Arg)

Gene: CRB1 (crumbs cell polarity complex component 1; plus strand). Cytogenetic location: 1q31.3.
Variant type: single nucleotide variant.
Coding change: c.2479G>A on transcript NM_201253.3 (MANE Select); coding-DNA position 2479, G replaced by A.
Protein change: p.Gly827Arg; replaces glycine 827 with arginine.
Molecular consequence: missense variant. On other transcripts: non-coding transcript variant (2), intron variant (1).
Genome position (GRCh38, 1-based): chr1:197,427,804, G>A. VCF-style: chr1-197427804-G-A. GRCh37 (hg19) VCF-style: chr1-197396934-G-A.
Other names: c.2143G>A, p.Gly715Arg (NM_001193640.2); c.2272G>A, p.Gly758Arg (NM_001257965.2); c.2128+5848G>A (NM_001257966.2); short protein forms G715R, G827R, G758R.
Identifiers: ClinVar variation 1431230 (VCV001431230.10), dbSNP rs62636269, ClinGen allele CA1312126.